The following is an entry in ClinVar:

ClinVar aggregate classification (germline): Uncertain significance (1 of 4 stars; one submission).

Allele frequency attached by ClinVar (database versions not stated): TOPMed 0.00002; gnomAD exomes 0.00004; ESP Exome Variant Server 0.00008.

Submission:

Labcorp Genetics (formerly Invitae), Labcorp
Classification: Uncertain significance. Last evaluated: 2024-04-14. Review status: criteria provided, single submitter. Criteria: Invitae Variant Classification Sherloc (09022015). Collection method: clinical testing. Allele origin: germline.
Comment: This sequence change replaces threonine, which is neutral and polar, with isoleucine, which is neutral and non-polar, at codon 858 of the DSCAML1 protein (p.Thr858Ile). This variant is present in population databases (rs139828224, gnomAD 0.002%). This variant has not been reported in the literature in individuals affected with DSCAML1-related conditions. ClinVar contains an entry for this variant (Variation ID: 2139114). An algorithm developed to predict the effect of missense changes on protein structure and function (PolyPhen-2) suggests that this variant is likely to be disruptive. In summary, the available evidence is currently insufficient to determine the role of this variant in disease. Therefore, it has been classified as a Variant of Uncertain Significance.

NM_020693.4(DSCAML1):c.2393C>T (p.Thr798Ile)

Gene: DSCAML1 (DS cell adhesion molecule like 1; minus strand). Cytogenetic location: 11q23.3.
Variant type: single nucleotide variant.
Coding change: c.2393C>T on transcript NM_020693.4 (MANE Select); coding-DNA position 2393, C replaced by T.
Protein change: p.Thr798Ile; replaces threonine 798 with isoleucine.
Molecular consequence: missense variant.
Genome position (GRCh38, 1-based): chr11:117,482,129, G>A on the plus strand (C>T on the coding strand, the complement: DSCAML1 is on the minus strand). VCF-style: chr11-117482129-G-A. GRCh37 (hg19) VCF-style: chr11-117352844-G-A.
Other names: c.2393C>T, p.Thr798Ile (NM_001367904.1); short protein forms T798I.
Identifiers: ClinVar variation 2139114 (VCV002139114.4), dbSNP rs139828224, ClinGen allele CA229387438.